The following is an entry in ClinVar:

ClinVar aggregate classification (germline): Likely benign. Review status: criteria provided, multiple submitters, no conflicts (2 of 4 stars). 2 submissions from 2 submitters: Likely benign (2). Last evaluated 2025-09-06.

Conditions:
Brachydactyly type A1. Also called: SHORT STATURE WITH NONSPECIFIC SKELETAL ABNORMALITIES 2; FARABEE-TYPE BRACHYDACTYLY. Identifiers: Orphanet 93388, MedGen C1862151, MONDO:0007215, OMIM 112500, HP:0009371.

Allele frequency attached by ClinVar (database versions not stated): TOPMed 0.00005; gnomAD exomes 0.00006; gnomAD 0.00007; ExAC 0.00019.

Submissions (2):

Labcorp Genetics (formerly Invitae), Labcorp
Classification: Likely benign. Last evaluated: 2025-09-06. Review status: criteria provided, single submitter. Criteria: Invitae Variant Classification Sherloc (09022015). Collection method: clinical testing. Allele origin: germline.

Illumina Laboratory Services, Illumina
Classification: Likely benign for Brachydactyly type A1. Last evaluated: 2018-01-12. Review status: criteria provided, single submitter. Criteria: ICSL Variant Classification Criteria 13 December 2019. Collection method: clinical testing. Allele origin: germline.
Comment: This variant was observed in the ICSL laboratory as part of a predisposition screen in an ostensibly healthy population. It had not been previously curated by ICSL or reported in the Human Gene Mutation Database (HGMD: prior to June 1st, 2018), and was therefore a candidate for classification through an automated scoring system. Utilizing variant allele frequency, disease prevalence and penetrance estimates, and inheritance mode, an automated score was calculated to assess if this variant is too frequent to cause the disease. Based on the score and internal cut-off values, a variant classified as likely benign is not then subjected to further curation. The score for this variant resulted in a classification of likely benign for this disease.

NM_002181.4(IHH):c.1221C>T (p.Ser407=)

Gene: IHH (Indian hedgehog signaling molecule; minus strand). Cytogenetic location: 2q35.
Variant type: single nucleotide variant.
Coding change: c.1221C>T on transcript NM_002181.4 (MANE Select); coding-DNA position 1221, C replaced by T.
Protein change: p.Ser407=; no amino-acid change (serine 407 retained).
Molecular consequence: synonymous variant.
Genome position (GRCh38, 1-based): chr2:219,055,222, G>A on the plus strand (C>T on the coding strand, the complement: IHH is on the minus strand). VCF-style: chr2-219055222-G-A. GRCh37 (hg19) VCF-style: chr2-219919944-G-A.
Identifiers: ClinVar variation 735057 (VCV000735057.10), dbSNP rs774963881, ClinGen allele CA2116510.
Genomic context (GRCh38, chr2:219,055,222, plus strand): 5'-CTGGACCCAGTACAGCAGTTCCAGGAGGGCAGCGGTGGAGTCCTTTCAGCTCCCTGCCCC[G>A]GACATGCCCAGTGGGTGGAAGCTGCCCTCTTCTAGCAGGAGACGCCCCAGGCGGTAGAGC-3'
Protein context (NP_002172.2, residues 397-411): EEGSFHPLGM[Ser407=]GAGS